The following is an entry in ClinVar:

ClinVar aggregate classification (germline): Uncertain significance (1 of 4 stars; one submission).

Conditions:
Arthrogryposis, distal, type 1A. Also called: ARTHROGRYPOSIS MULTIPLEX CONGENITA, DISTAL, TYPE I. Identifiers: Orphanet 1146, MedGen C6022280, MONDO:0007157, OMIM 108120.

Allele frequency attached by ClinVar (database versions not stated): gnomAD exomes below 0.00001; TOPMed below 0.00001; gnomAD 0.00001.
gnomAD v4.1: 9 of 1,614,066 alleles (0.00056%); highest among the groups gnomAD compares: Non-Finnish European, 0.00068%; no homozygotes.

Submission:

Labcorp Genetics (formerly Invitae), Labcorp
Classification: Uncertain significance for Arthrogryposis, distal, type 1A. Last evaluated: 2022-08-03. Review status: criteria provided, single submitter. Criteria: Invitae Variant Classification Sherloc (09022015). Collection method: clinical testing. Allele origin: germline.
Comment: In summary, the available evidence is currently insufficient to determine the role of this variant in disease. Therefore, it has been classified as a Variant of Uncertain Significance. Algorithms developed to predict the effect of missense changes on protein structure and function (SIFT, PolyPhen-2, Align-GVGD) all suggest that this variant is likely to be disruptive. This missense change has been observed in individual(s) with clinical features of TPM2-related conditions (PMID: 22980765). This variant is present in population databases (no rsID available, gnomAD 0.003%). This sequence change replaces arginine, which is basic and polar, with histidine, which is basic and polar, at codon 91 of the TPM2 protein (p.Arg91His).

Literature cited by the submitters: PubMed 22980765.

NM_003289.4(TPM2):c.272G>A (p.Arg91His)

Gene: TPM2 (tropomyosin 2; minus strand). Cytogenetic location: 9p13.3.
Variant type: single nucleotide variant.
Coding change: c.272G>A on transcript NM_003289.4 (MANE Select); coding-DNA position 272, G replaced by A.
Protein change: p.Arg91His; replaces arginine 91 with histidine.
Molecular consequence: missense variant.
Genome position (GRCh38, 1-based): chr9:35,685,749, C>T on the plus strand (G>A on the coding strand, the complement: TPM2 is on the minus strand). VCF-style: chr9-35685749-C-T. GRCh37 (hg19) VCF-style: chr9-35685746-C-T.
Other names: c.272G>A, p.Arg91His (NM_001301226.2, NM_001301227.2, NM_213674.1); short protein forms R91H.
Identifiers: ClinVar variation 1974294 (VCV001974294.5), dbSNP rs1394575742, ClinGen allele CA373368490.
Genomic context (GRCh38, chr9:35,685,749, plus strand): 5'-TGCAGGGCTGTAGCCAGGCGCTCCTGGGCCCGGTCCAGCTCCTCCTCAACCAGCTGAATG[C>T]GGCGGTTCAGGGAGGCCACATCTGCCTCAGCCTGTGGGTCAGAGGTCAGGGGTCAAAAAG-3'
Protein context (NP_003280.2, residues 81-101): AEADVASLNR[Arg91His]IQLVEEELDR